The following is an entry in ClinVar:

ClinVar aggregate classification (germline): Likely benign. Review status: criteria provided, multiple submitters, no conflicts (2 of 4 stars). 2 submissions from 2 submitters: Likely benign (2). Last evaluated 2026-05-01.

Conditions:
Ocular cystinosis. Also called: Non-Nephropathic (Ocular) Cystinosis; Non-Nephropathic Cystinosis. Identifiers: Orphanet 213, Orphanet 411641, MedGen C2931013, MONDO:0009064, OMIM 219750.
Juvenile nephropathic cystinosis. Also called: CYSTINOSIS, LATE-ONSET JUVENILE OR ADOLESCENT NEPHROPATHIC TYPE; Later-Onset (Juvenile) Cystinosis; Intermediate Cystinosis. Identifiers: Orphanet 213, Orphanet 411634, MedGen C0268626, MONDO:0009066, OMIM 219900.
Inborn genetic diseases. Identifiers: MedGen C0950123, MeSH D030342.

Allele frequency attached by ClinVar (database versions not stated): gnomAD exomes 0.00001 and 0.00005; ExAC 0.00007; 1000 Genomes Project 30x 0.00016; 1000 Genomes Project 0.00020; gnomAD 0.00001.
gnomAD v4.1: 19 of 1,613,412 alleles (0.0012%); highest among the groups gnomAD compares: Middle Eastern, 0.017%; no homozygotes.

Submissions (2):

CeGaT Center for Human Genetics Tuebingen
Classification: Likely benign. Last evaluated: 2026-05-01. Review status: criteria provided, single submitter. Criteria: CeGaT Center For Human Genetics Tuebingen Variant Classification Criteria Version 2. Collection method: clinical testing. Allele origin: germline. Affected: yes. Observed: 1 variant allele.
Comment: CTNS: BP4, BP7

Labcorp Genetics (formerly Invitae), Labcorp
Classification: Likely benign for Inborn genetic diseases; Ocular cystinosis; Juvenile nephropathic cystinosis. Last evaluated: 2024-02-19. Review status: criteria provided, single submitter. Criteria: Invitae Variant Classification Sherloc (09022015). Collection method: clinical testing. Allele origin: germline.

NM_004937.3(CTNS):c.600C>T (p.Pro200=)

Genes: CTNS (cystinosin, lysosomal cystine transporter; plus strand), CTNS-AS1 (CTNS antisense RNA 1; minus strand). Cytogenetic location: 17p13.2.
Variant type: single nucleotide variant.
Coding change: c.600C>T on transcript NM_004937.3 (MANE Select); coding-DNA position 600, C replaced by T.
Protein change: p.Pro200=; no amino-acid change (proline 200 retained).
Molecular consequence: synonymous variant.
Genome position (GRCh38, 1-based): chr17:3,656,714, C>T. VCF-style: chr17-3656714-C-T. GRCh37 (hg19) VCF-style: chr17-3560008-C-T.
Other names: c.600C>T, p.Pro200= (NM_001031681.3, NM_001374492.1); c.159C>T, p.Pro53= (NM_001374493.1, NM_001374494.1, NM_001374495.1 and 1 more transcripts).
Identifiers: ClinVar variation 1122661 (VCV001122661.10), dbSNP rs577044481, ClinGen allele CA8291795.